The following is an entry in ClinVar:

NM_006019.4(TCIRG1):c.1883G>C (p.Arg628Pro)

Gene: TCIRG1 (T cell immune regulator 1, ATPase H+ transporting V0 subunit a3; plus strand). Cytogenetic location: 11q13.2.
Variant type: single nucleotide variant.
Coding change: c.1883G>C on transcript NM_006019.4 (MANE Select); coding-DNA position 1883, G replaced by C.
Protein change: p.Arg628Pro; replaces arginine 628 with proline.
Molecular consequence: missense variant.
Genome position (GRCh38, 1-based): chr11:68,049,290, G>C. VCF-style: chr11-68049290-G-C. GRCh37 (hg19) VCF-style: chr11-67816757-G-C.
Other names: c.989G>C, p.Arg330Pro (NM_001351059.2); c.1235G>C, p.Arg412Pro (NM_006053.4); short protein forms R628P, R330P, R412P.
Identifiers: ClinVar variation 2091456 (VCV002091456.4), dbSNP rs201661352, ClinGen allele CA381587534.
Genomic context (GRCh38, chr11:68,049,290, plus strand): 5'-TCCACTTCATCAACATGTTCCTCTTCTCCCACAGCCCCAGCAACAGGCTGCTCTACCCCC[G>C]GCAGGTGGGCTGCGGCTGGTGGGGGCCGGGCTCACACGGCCTCATGGGGACCCCGCGGTC-3'
Protein context (NP_006010.2, residues 618-638): HSPSNRLLYP[Arg628Pro]QEVVQATLVV

ClinVar aggregate classification (germline): Uncertain significance (1 of 4 stars; one submission).

Submission:

Labcorp Genetics (formerly Invitae), Labcorp
Classification: Uncertain significance. Last evaluated: 2022-02-01. Review status: criteria provided, single submitter. Criteria: Invitae Variant Classification Sherloc (09022015). Collection method: clinical testing. Allele origin: germline.
Comment: In summary, the available evidence is currently insufficient to determine the role of this variant in disease. Therefore, it has been classified as a Variant of Uncertain Significance. Algorithms developed to predict the effect of missense changes on protein structure and function (SIFT, PolyPhen-2, Align-GVGD) all suggest that this variant is likely to be tolerated. This variant has not been reported in the literature in individuals affected with TCIRG1-related conditions. This variant is not present in population databases (gnomAD no frequency). This sequence change replaces arginine, which is basic and polar, with proline, which is neutral and non-polar, at codon 628 of the TCIRG1 protein (p.Arg628Pro).